The following is an entry in ClinVar:

ClinVar aggregate classification (germline): Uncertain significance (1 of 4 stars; one submission).

Conditions:
Congenital myasthenic syndrome 8. Also called: Myasthenic syndrome, congenital, 8, with pre- and postsynaptic defects; MYASTHENIC SYNDROME, CONGENITAL, DUE TO AGRIN DEFICIENCY. Identifiers: Orphanet 590, MedGen C3808739, MONDO:0014052, OMIM 615120.

Allele frequency attached by ClinVar (database versions not stated): ExAC 0.00001; gnomAD exomes 0.00002; gnomAD 0.00004 and 0.00006; TOPMed 0.00006; 1000 Genomes Project 30x 0.00016; 1000 Genomes Project 0.00020.
gnomAD v4.1: 34 of 1,605,024 alleles (0.0021%); highest among the groups gnomAD compares: South Asian, 0.0077%; no homozygotes.

Submission:

Labcorp Genetics (formerly Invitae), Labcorp
Classification: Uncertain significance for Congenital myasthenic syndrome 8. Last evaluated: 2021-08-31. Review status: criteria provided, single submitter. Criteria: Invitae Variant Classification Sherloc (09022015). Collection method: clinical testing. Allele origin: germline.
Comment: This sequence change replaces arginine with cysteine at codon 552 of the AGRN protein (p.Arg552Cys). The arginine residue is highly conserved and there is a large physicochemical difference between arginine and cysteine. This variant is present in population databases (rs556149611, ExAC 0.009%). This variant has not been reported in the literature in individuals affected with AGRN-related conditions. Algorithms developed to predict the effect of missense changes on protein structure and function are either unavailable or do not agree on the potential impact of this missense change (SIFT: "Deleterious"; PolyPhen-2: "Possibly Damaging"; Align-GVGD: "Class C0"). Algorithms developed to predict the effect of sequence changes on RNA splicing suggest that this variant may create or strengthen a splice site. In summary, the available evidence is currently insufficient to determine the role of this variant in disease. Therefore, it has been classified as a Variant of Uncertain Significance.

NM_198576.4(AGRN):c.1654C>T (p.Arg552Cys)

Gene: AGRN (agrin; plus strand). Cytogenetic location: 1p36.33.
Variant type: single nucleotide variant.
Coding change: c.1654C>T on transcript NM_198576.4 (MANE Select); coding-DNA position 1654, C replaced by T.
Protein change: p.Arg552Cys; replaces arginine 552 with cysteine.
Molecular consequence: missense variant.
Genome position (GRCh38, 1-based): chr1:1,043,588, C>T. VCF-style: chr1-1043588-C-T. GRCh37 (hg19) VCF-style: chr1-978968-C-T.
Other names: c.1654C>T, p.Arg552Cys (NM_001305275.2); c.1339C>T, p.Arg447Cys (NM_001364727.2); short protein forms R552C, R447C.
Identifiers: ClinVar variation 962736 (VCV000962736.7), dbSNP rs556149611, ClinGen allele CA508283.